The following is an entry in ClinVar:

ClinVar aggregate classification (germline): Likely benign (1 of 4 stars; one submission).

Allele frequency attached by ClinVar (database versions not stated): ESP Exome Variant Server 0.00046; 1000 Genomes Project 0.00140; 1000 Genomes Project 30x 0.00156; ExAC 0.00261; TOPMed 0.00278; gnomAD exomes 0.00283; gnomAD 0.00287.
gnomAD v4.1: 4,545 of 1,610,326 alleles (0.28%); highest among the groups gnomAD compares: Non-Finnish European, 0.34%; 16 homozygotes.

Submission:

CeGaT Center for Human Genetics Tuebingen
Classification: Likely benign. Last evaluated: 2025-10-01. Review status: criteria provided, single submitter. Criteria: CeGaT Center For Human Genetics Tuebingen Variant Classification Criteria Version 2. Collection method: clinical testing. Allele origin: germline. Affected: yes. Observed: 3 variant alleles.
Comment: ADH1C: BP4, BS2

NM_000669.5(ADH1C):c.828+7T>A

Gene: ADH1C (alcohol dehydrogenase 1C (class I), gamma polypeptide; minus strand). Cytogenetic location: 4q23.
Variant type: single nucleotide variant.
Coding change: c.828+7T>A on transcript NM_000669.5 (MANE Select); 7 bases into the intron after coding-DNA position 828, T replaced by A.
Molecular consequence: intron variant.
Genome position (GRCh38, 1-based): chr4:99,342,788, A>T on the plus strand (T>A on the coding strand, the complement: ADH1C is on the minus strand). VCF-style: chr4-99342788-A-T. GRCh37 (hg19) VCF-style: chr4-100263945-A-T.
Identifiers: ClinVar variation 2654964 (VCV002654964.24), dbSNP rs6413446, ClinGen allele CA3020303.
Genomic context (GRCh38, chr4:99,342,788, plus strand): 5'-TTCTACTGCCTAAATGCATCCTCCAGGTTGCAGAGGCAGAAATTTCAGGGCATGTCACGG[A>T]TCATACCATGGTGTCAAGCCGACCGATGACTTCAAACGAAAAATCCACACCTCCATCAGT-3'